The following is an entry in ClinVar:

ClinVar aggregate classification (germline): Pathogenic (1 of 4 stars; one submission).

Conditions:
Telangiectasia, hereditary hemorrhagic, type 2 (HHT2). Also called: ACVRL1-Related Hereditary Hemorrhagic Telangiectasia; Telangiectasia, hereditary hemorrhagic, type II. Identifiers: Orphanet 774, MedGen C1838163, MONDO:0010880, OMIM 600376. Disease mechanism: loss of function.

Submission:

Labcorp Genetics (formerly Invitae), Labcorp
Classification: Pathogenic for Telangiectasia, hereditary hemorrhagic, type 2. Last evaluated: 2025-08-06. Review status: criteria provided, single submitter. Criteria: Invitae Variant Classification Sherloc (09022015). Collection method: clinical testing. Allele origin: germline.
Comment: This sequence change replaces glycine, which is neutral and non-polar, with valine, which is neutral and non-polar, at codon 48 of the ACVRL1 protein (p.Gly48Val). This variant is not present in population databases (gnomAD no frequency). This missense change has been observed in individual(s) with clinical features of hereditary hemorrhagic telangiectasia (internal data). ClinVar contains an entry for this variant (Variation ID: 3635217). Invitae Evidence Modeling of protein sequence and biophysical properties (such as structural, functional, and spatial information, amino acid conservation, physicochemical variation, residue mobility, and thermodynamic stability) indicates that this missense variant is expected to disrupt ACVRL1 protein function with a positive predictive value of 95%. This variant disrupts the p.Gly48 amino acid residue in ACVRL1. Other variant(s) that disrupt this residue have been determined to be pathogenic (PMID: 17786384, 21158752, 24603890). This suggests that this residue is clinically significant, and that variants that disrupt this residue are likely to be disease-causing. For these reasons, this variant has been classified as Pathogenic.

Literature cited by the submitters: PubMed 17786384; PubMed 21158752; PubMed 24603890.

NM_000020.3(ACVRL1):c.143G>T (p.Gly48Val)

Gene: ACVRL1 (activin A receptor like type 1; plus strand). Cytogenetic location: 12q13.13.
Variant type: single nucleotide variant.
Coding change: c.143G>T on transcript NM_000020.3 (MANE Select); coding-DNA position 143, G replaced by T.
Protein change: p.Gly48Val; replaces glycine 48 with valine.
Molecular consequence: missense variant. On other transcripts: intron variant (1).
Genome position (GRCh38, 1-based): chr12:51,913,180, G>T. VCF-style: chr12-51913180-G-T. GRCh37 (hg19) VCF-style: chr12-52306964-G-T.
Other names: c.143G>T, p.Gly48Val (NM_001077401.2, NM_001406487.1, NM_001406488.1 and 6 more transcripts); c.61+645G>T (NM_001406495.1); short protein forms G48V.
Identifiers: ClinVar variation 3635217 (VCV003635217.2).